The following is an entry in ClinVar:

NM_006206.6(PDGFRA):c.1043C>T (p.Ser348Phe)

Gene: PDGFRA (platelet derived growth factor receptor alpha; plus strand). Cytogenetic location: 4q12.
Variant type: single nucleotide variant.
Coding change: c.1043C>T on transcript NM_006206.6 (MANE Select); coding-DNA position 1043, C replaced by T.
Protein change: p.Ser348Phe; replaces serine 348 with phenylalanine.
Molecular consequence: missense variant.
Genome position (GRCh38, 1-based): chr4:54,267,663, C>T. VCF-style: chr4-54267663-C-T. GRCh37 (hg19) VCF-style: chr4-55133830-C-T.
Other names: c.1043C>T, p.Ser348Phe (NM_001347827.2, NM_001347829.2); c.1118C>T, p.Ser373Phe (NM_001347828.2); c.1082C>T, p.Ser361Phe (NM_001347830.2); c.1043C>T (NM_006206.4); short protein forms S348F, S373F, S361F.
Identifiers: ClinVar variation 1387307 (VCV001387307.8), dbSNP rs2110267268, ClinGen allele CA356891672.
Genomic context (GRCh38, chr4:54,267,663, plus strand): 5'-ACCTGCATGAAGTCAAACATTTTGTTGTAGAGGTGCGGGCCTACCCACCTCCCAGGATAT[C>T]CTGGCTGAAAAACAATCTGACTCTGATTGAAAATCTCACTGAGATCACCACTGATGTGGA-3'
Protein context (NP_006197.1, residues 338-358): EVRAYPPPRI[Ser348Phe]WLKNNLTLIE

ClinVar aggregate classification (germline): Uncertain significance. Review status: criteria provided, multiple submitters, no conflicts (2 of 4 stars). 2 submissions from 2 submitters: Uncertain significance (2). Last evaluated 2024-05-29.

Conditions:
Hereditary cancer-predisposing syndrome. Also called: Tumor predisposition; Hereditary Cancer Syndrome; Hereditary neoplastic syndrome; Neoplastic Syndromes, Hereditary. Identifiers: Orphanet 140162, MedGen C0027672, MeSH D009386, MONDO:0015356.
Gastrointestinal stromal tumor. Also called: Gastrointestinal stroma tumor; Gastrointestinal stromal tumor, somatic. Identifiers: Orphanet 44890, MedGen C0238198, MeSH D046152, MONDO:0011719, OMIM 606764, HP:0100723.

Submissions (2):

Labcorp Genetics (formerly Invitae), Labcorp
Classification: Uncertain significance for Gastrointestinal stromal tumor. Last evaluated: 2024-05-29. Review status: criteria provided, single submitter. Criteria: Invitae Variant Classification Sherloc (09022015). Collection method: clinical testing. Allele origin: germline.
Comment: This sequence change replaces serine, which is neutral and polar, with phenylalanine, which is neutral and non-polar, at codon 348 of the PDGFRA protein (p.Ser348Phe). This variant is not present in population databases (gnomAD no frequency). This variant has not been reported in the literature in individuals affected with PDGFRA-related conditions. ClinVar contains an entry for this variant (Variation ID: 1387307). Advanced modeling of protein sequence and biophysical properties (such as structural, functional, and spatial information, amino acid conservation, physicochemical variation, residue mobility, and thermodynamic stability) performed at Invitae indicates that this missense variant is not expected to disrupt PDGFRA protein function with a negative predictive value of 80%. In summary, the available evidence is currently insufficient to determine the role of this variant in disease. Therefore, it has been classified as a Variant of Uncertain Significance.

Ambry Genetics
Classification: Uncertain significance for Hereditary cancer-predisposing syndrome. Last evaluated: 2023-01-15. Review status: criteria provided, single submitter. Criteria: Ambry Variant Classification Scheme 2023. Collection method: clinical testing. Allele origin: germline.
Comment: The p.S348F variant (also known as c.1043C>T), located in coding exon 6 of the PDGFRA gene, results from a C to T substitution at nucleotide position 1043. The serine at codon 348 is replaced by phenylalanine, an amino acid with highly dissimilar properties. This amino acid position is conserved. In addition, this alteration is predicted to be tolerated by in silico analysis. Since supporting evidence is limited at this time, the clinical significance of this alteration remains unclear.